The following is an entry in ClinVar:

NM_000179.3(MSH6):c.1577_1578del (p.Val526fs)

Gene: MSH6 (mutS homolog 6; plus strand). Cytogenetic location: 2p16.3.
Variant type: Microsatellite.
Coding change: c.1577_1578del on transcript NM_000179.3 (MANE Select); coding-DNA positions 1577 to 1578, 2 bases deleted (TG; older notation c.1577_1578delTG).
Protein change: p.Val526fs; shifts the reading frame from valine 526.
Molecular consequence: frameshift variant. On other transcripts: non-coding transcript variant (4), intron variant (1).
Genome position (GRCh38, 1-based): chr2:47,799,560-47,799,561, TG deleted; deleting any 2 consecutive bases within chr2:47,799,557-47,799,561 gives the same sequence; the c. name uses the placement nearest the transcript's 3' end. VCF-style (leftmost placement, unchanged base first): chr2-47799556-AGT-A. GRCh37 (hg19) VCF-style: chr2-48026695-AGT-A.
Other names: c.1052_1053del, p.Val351fs (NM_001406799.1, NM_001406806.1, NM_001406807.1); c.1280_1281del, p.Val427fs (NM_001406801.1, NM_001406797.1, NM_001406805.1 and 10 more transcripts); c.1673_1674del, p.Val558fs (NM_001406802.1, NM_001406795.1); c.1499_1500del, p.Val500fs (NM_001406804.1); c.1577_1578del, p.Val526fs (NM_001406800.1, NM_001406803.1, NM_001406796.1 and 4 more transcripts); c.1575_1576TG[1], p.Val526Alafs (NM_000179.2); c.1187_1188del, p.Val396fs (NM_001281492.2); c.671_672del, p.Val224fs (NM_001281493.2, NM_001281494.2, NM_001406811.1 and 6 more transcripts); and 4 more; short protein forms V224fs, V351fs, V396fs, V427fs, V470fs, V500fs, V526fs, V528fs.
Identifiers: ClinVar variation 2673693 (VCV002673693.2), dbSNP rs2530617268, ClinGen allele CA2695200597.
Genomic context (GRCh38, chr2:47,799,556, plus strand): 5'-TATGATAGAGTGGTGAGGAGGGAGATCTGTAGGATCATTACCAAGGGTACACAGACTTAC[AGT>A]GTGCTGGAAGGTGATCCCTCTGAGAACTACAGTAAGTATCTTCTTAGCCTCAAAGAAAAA-3'

ClinVar aggregate classification (germline): Pathogenic. Review status: criteria provided, multiple submitters, no conflicts (2 of 4 stars). 2 submissions from 2 submitters: Pathogenic (2). Last evaluated 2025-08-04.

Conditions:
Hereditary cancer-predisposing syndrome. Also called: Tumor predisposition; Hereditary neoplastic syndrome; Neoplastic Syndromes, Hereditary; Hereditary Cancer Syndrome. Identifiers: Orphanet 140162, MedGen C0027672, MeSH D009386, MONDO:0015356.
Lynch syndrome 5 (LYNCH5). Also called: Colorectal cancer, hereditary nonpolyposis, type 5; Hereditary non-polyposis colorectal cancer, type 5. Identifiers: Orphanet 144, MedGen C1833477, MONDO:0013710, OMIM 614350. Disease mechanism: loss of function.

Submissions (2):

Ambry Genetics
Classification: Pathogenic for Hereditary cancer-predisposing syndrome. Last evaluated: 2025-08-04. Review status: criteria provided, single submitter. Criteria: Ambry Variant Classification Scheme 2023. Collection method: clinical testing. Allele origin: germline.
Comment: The c.1577_1578delTG pathogenic mutation, located in coding exon 4 of the MSH6 gene, results from a deletion of two nucleotides at nucleotide positions 1577 to 1578, causing a translational frameshift with a predicted alternate stop codon (p.V526Afs*4). This variant is considered to be rare based on population cohorts in the Genome Aggregation Database (gnomAD). This alteration is expected to result in loss of function by premature protein truncation or nonsense-mediated mRNA decay. As such, this alteration is interpreted as a disease-causing mutation.

Myriad Genetics, Inc.
Classification: Pathogenic for Lynch syndrome 5. Last evaluated: 2023-08-15. Review status: criteria provided, single submitter. Criteria: Myriad Autosomal Dominant, Autosomal Recessive and X-Linked Classification Criteria (2023). Collection method: clinical testing. Allele origin: unknown.
Comment: This variant is considered pathogenic. This variant creates a frameshift predicted to result in premature protein truncation.